The following is an entry in ClinVar:

NM_007255.3(B4GALT7):c.414-328C>T

Gene: B4GALT7 (beta-1,4-galactosyltransferase 7; plus strand). Cytogenetic location: 5q35.3.
Variant type: single nucleotide variant.
Coding change: c.414-328C>T on transcript NM_007255.3 (MANE Select); 328 bases into the intron before coding-DNA position 414, C replaced by T.
Molecular consequence: intron variant.
Genome position (GRCh38, 1-based): chr5:177,606,974, C>T. VCF-style: chr5-177606974-C-T. GRCh37 (hg19) VCF-style: chr5-177033975-C-T.
Identifiers: ClinVar variation 669667 (VCV000669667.1), dbSNP rs73337783, ClinGen allele CA12162507.

ClinVar aggregate classification (germline): Benign (1 of 4 stars; one submission).

Allele frequency attached by ClinVar (database versions not stated): gnomAD exomes 0.02961; 1000 Genomes Project 0.03195; 1000 Genomes Project 30x 0.03420; gnomAD 0.04415 and 0.04663; TOPMed 0.04806.
gnomAD v4.1: 14,672 of 420,756 alleles (3.5%); highest among the groups gnomAD compares: African/African-American, 7.2%; 369 homozygotes.

Submission:

GeneDx
Classification: Benign. Last evaluated: 2018-06-14. Review status: criteria provided, single submitter. Criteria: GeneDx Variant Classification (06012015). Collection method: clinical testing. Allele origin: germline. Affected: yes.
Comment: This variant is considered likely benign or benign based on one or more of the following criteria: it is a conservative change, it occurs at a poorly conserved position in the protein, it is predicted to be benign by multiple in silico algorithms, and/or has population frequency not consistent with disease.